The following is an entry in ClinVar:

NM_032043.3(BRIP1):c.3026G>T (p.Gly1009Val)

Gene: BRIP1 (BRCA1 interacting DNA helicase 1; minus strand). Cytogenetic location: 17q23.2.
Variant type: single nucleotide variant.
Coding change: c.3026G>T on transcript NM_032043.3 (MANE Select); coding-DNA position 3026, G replaced by T.
Protein change: p.Gly1009Val; replaces glycine 1009 with valine.
Molecular consequence: missense variant.
Genome position (GRCh38, 1-based): chr17:61,684,020, C>A on the plus strand (G>T on the coding strand, the complement: BRIP1 is on the minus strand). VCF-style: chr17-61684020-C-A. GRCh37 (hg19) VCF-style: chr17-59761381-C-A.
Other names: short protein forms G1009V.
Identifiers: ClinVar variation 1039708 (VCV001039708.9), dbSNP rs1555572908, ClinGen allele CA400479964.

ClinVar aggregate classification (germline): Uncertain significance (1 of 4 stars; one submission).

Conditions:
Fanconi anemia complementation group J. Also called: BRIP1-Related Fanconi Anemia. Identifiers: Orphanet 84, MedGen C1836860, MONDO:0012187, OMIM 609054.
Familial cancer of breast. Also called: BREAST CANCER, FAMILIAL; Hereditary breast cancer; hereditary breast carcinoma. Identifiers: Orphanet 227535, MedGen C0346153, MONDO:0016419, OMIM 114480. Disease mechanism: loss of function.

Submission:

Labcorp Genetics (formerly Invitae), Labcorp
Classification: Uncertain significance for Familial cancer of breast; Fanconi anemia complementation group J. Last evaluated: 2024-02-23. Review status: criteria provided, single submitter. Criteria: Invitae Variant Classification Sherloc (09022015). Collection method: clinical testing. Allele origin: germline.
Comment: This sequence change replaces glycine, which is neutral and non-polar, with valine, which is neutral and non-polar, at codon 1009 of the BRIP1 protein (p.Gly1009Val). This variant is not present in population databases (gnomAD no frequency). This variant has not been reported in the literature in individuals affected with BRIP1-related conditions. ClinVar contains an entry for this variant (Variation ID: 1039708). An algorithm developed to predict the effect of missense changes on protein structure and function (PolyPhen-2) suggests that this variant is likely to be disruptive. In summary, the available evidence is currently insufficient to determine the role of this variant in disease. Therefore, it has been classified as a Variant of Uncertain Significance.